The following is an entry in ClinVar:

NM_003356.4(UCP3):c.901del (p.Ala300_Leu301insTer)

Gene: UCP3 (uncoupling protein 3; minus strand). Cytogenetic location: 11q13.4.
Variant type: Deletion.
Coding change: c.901del on transcript NM_003356.4 (MANE Select); coding-DNA position 901, one base deleted (C; older notation c.901delC).
Protein change: p.Ala300_Leu301insTer.
Molecular consequence: nonsense.
Genome position (GRCh38, 1-based): chr11:74,001,450, G deleted on the plus strand (C on the coding strand, the reverse complement: UCP3 is on the minus strand); the first of 3 consecutive G bases (chr11:74,001,450-74,001,452); deleting any one gives the same sequence. VCF-style (leftmost placement, unchanged base first): chr11-74001449-AG-A. GRCh37 (hg19) VCF-style: chr11-73712494-AG-A.
Identifiers: ClinVar variation 4992691 (VCV004992691.1).

ClinVar aggregate classification (germline): Uncertain significance (1 of 4 stars; one submission).

Conditions:
UCP3-related disorder. Also called: UCP3-related condition.

Submission:

PreventionGenetics, part of Exact Sciences
Classification: Uncertain significance for UCP3-related condition. Last evaluated: 2026-03-11. Review status: criteria provided, single submitter. Criteria: ACMG Guidelines, 2015. Collection method: clinical testing. Allele origin: germline.
Comment: The UCP3 c.901delC variant is predicted to result in premature protein termination (p.Leu301*). To our knowledge, this variant has not been reported in the literature or in a large population database (gnomAD), indicating this variant is rare. At this time, the clinical significance of this variant is uncertain due to the absence of conclusive functional and genetic evidence.